The following is an entry in ClinVar:

NM_000218.3(KCNQ1):c.1394-17346C>T

Genes: KCNQ1 (potassium voltage-gated channel subfamily Q member 1; plus strand), KCNQ1OT1 (KCNQ1 opposite strand/antisense transcript 1; minus strand). Cytogenetic location: 11p15.5.
Variant type: single nucleotide variant.
Coding change: c.1394-17346C>T on transcript NM_000218.3 (MANE Select); 17346 bases into the intron before coding-DNA position 1394, C replaced by T.
Molecular consequence: intron variant. On other transcripts: non-coding transcript variant (1).
Genome position (GRCh38, 1-based): chr11:2,644,615, C>T. VCF-style: chr11-2644615-C-T. GRCh37 (hg19) VCF-style: chr11-2665845-C-T.
Other names: c.1124-17346C>T (NM_001406837.1); c.1298-17346C>T (NM_001406836.1); c.854-17346C>T (NM_001406838.1); c.1013-17346C>T (NM_181798.2).
Identifiers: ClinVar variation 3389312 (VCV003389312.14).

ClinVar aggregate classification (germline): Benign (1 of 4 stars; one submission).

gnomAD v4.1: 351 of 398,408 alleles (0.088%); highest among the groups gnomAD compares: African/African-American, 0.57%; 1 homozygote.

Submission:

CeGaT Center for Human Genetics Tuebingen
Classification: Benign. Last evaluated: 2024-12-01. Review status: criteria provided, single submitter. Criteria: CeGaT Center For Human Genetics Tuebingen Variant Classification Criteria Version 2. Collection method: clinical testing. Allele origin: germline. Affected: yes. Observed: 1 variant allele.
Comment: KCNQ1OT1: BS1, BS2